The following is an entry in ClinVar:

ClinVar aggregate classification (germline): Uncertain significance (1 of 4 stars; one submission).

Submission:

Labcorp Genetics (formerly Invitae), Labcorp
Classification: Uncertain significance. Last evaluated: 2024-06-13. Review status: criteria provided, single submitter. Criteria: Invitae Variant Classification Sherloc (09022015). Collection method: clinical testing. Allele origin: germline.
Comment: This sequence change replaces glycine, which is neutral and non-polar, with serine, which is neutral and polar, at codon 215 of the COL10A1 protein (p.Gly215Ser). This variant is not present in population databases (gnomAD no frequency). This variant has not been reported in the literature in individuals affected with COL10A1-related conditions. Advanced modeling of protein sequence and biophysical properties (such as structural, functional, and spatial information, amino acid conservation, physicochemical variation, residue mobility, and thermodynamic stability) performed at Invitae indicates that this missense variant is expected to disrupt COL10A1 protein function with a positive predictive value of 80%. In summary, the available evidence is currently insufficient to determine the role of this variant in disease. Therefore, it has been classified as a Variant of Uncertain Significance.

NM_000493.4(COL10A1):c.643G>A (p.Gly215Ser)

Genes: COL10A1 (collagen type X alpha 1 chain; minus strand), NT5DC1 (5'-nucleotidase domain containing 1; plus strand). Cytogenetic location: 6q22.1.
Variant type: single nucleotide variant.
Coding change: c.643G>A on transcript NM_000493.4 (MANE Select); coding-DNA position 643, G replaced by A.
Protein change: p.Gly215Ser; replaces glycine 215 with serine.
Molecular consequence: missense variant. On other transcripts: intron variant (1).
Genome position (GRCh38, 1-based): chr6:116,121,473, C>T on the plus strand (G>A on the coding strand, the complement: COL10A1 is on the minus strand). VCF-style: chr6-116121473-C-T. GRCh37 (hg19) VCF-style: chr6-116442636-C-T.
Other names: c.643G>A, p.Gly215Ser (NM_001424106.1, NM_001424107.1); c.529+3528C>T (NM_152729.3); short protein forms G215S.
Identifiers: ClinVar variation 3675676 (VCV003675676.2).
Genomic context (GRCh38, chr6:116,121,473, plus strand): 5'-CTTTGATGCCTGGCTGTCCTGGAACCCCATTTTCACCTCTTTTTCCCACTCCAGGAGGGC[C>T]AGATGGTCCTGTGGGACCCTGAGGGCCTGGAAGACCCCTCTCACCTGGACGACCAGGAGC-3'
Protein context (NP_000484.2, residues 205-225): PGPQGPTGPS[Gly215Ser]PPGVGKRGEN